The following is an entry in ClinVar:

NM_002666.5(PLIN1):c.1284_1286dup (p.Arg429_Glu430insArg)

Gene: PLIN1 (perilipin 1; minus strand). Cytogenetic location: 15q26.1.
Variant type: Duplication.
Coding change: c.1284_1286dup on transcript NM_002666.5 (MANE Select); coding-DNA positions 1284 to 1286, 3 bases duplicated (CCG; older notation c.1284_1286dupCCG).
Protein change: p.Arg429_Glu430insArg.
Molecular consequence: inframe insertion.
Genome position (GRCh38, 1-based): chr15:89,665,866-89,665,868, CGG duplicated on the plus strand (CCG on the coding strand, the reverse complement: PLIN1 is on the minus strand); duplicating any 3 consecutive bases within chr15:89,665,866-89,665,870 gives the same sequence; the c. name uses the placement nearest the transcript's 3' end. VCF-style (leftmost placement, unchanged base first): chr15-89665865-C-CCGG. GRCh37 (hg19) VCF-style: chr15-90209096-C-CCGG.
Other names: c.1284_1286dup, p.Arg429_Glu430insArg (NM_001145311.2).
Identifiers: ClinVar variation 3388231 (VCV003388231.15).
Genomic context (GRCh38, chr15:89,665,865, plus strand): 5'-GAGACGCGGGGCGGGCTCCGGGCCGGCGGACGGCGCCCCAGACGCTCTGCGCTCCGCCTC[C>CCGG]CGGCGCTCGACCTCGGCTGGTGGGTTGTCGATGTCCCGGAATTCGCTCTCGGGCTCCATC-3'

ClinVar aggregate classification (germline): Conflicting classifications of pathogenicity. Review status: criteria provided, conflicting classifications (1 of 4 stars). 2 submissions from 2 submitters: Uncertain significance (1); Likely benign (1). Last evaluated 2024-10-01.

Conditions:
PLIN1-related familial partial lipodystrophy. Also called: LIPODYSTROPHY, FAMILIAL PARTIAL, ASSOCIATED WITH PLIN1 MUTATIONS. Identifiers: Orphanet 280356, MedGen C5191005, MONDO:0013478, OMIM 613877.

Submissions (2):

CeGaT Center for Human Genetics Tuebingen
Classification: Likely benign. Last evaluated: 2024-10-01. Review status: criteria provided, single submitter. Criteria: CeGaT Center For Human Genetics Tuebingen Variant Classification Criteria Version 2. Collection method: clinical testing. Allele origin: germline. Affected: yes. Observed: 1 variant allele.
Comment: PLIN1: PM4:Supporting, BS1

Department of Pathology and Laboratory Medicine, Sinai Health System
Classification: Uncertain significance for PLIN1-related familial partial lipodystrophy. Last evaluated: 2022-06-21. Review status: criteria provided, single submitter. Criteria: ACMG Guidelines, 2015. Collection method: research. Allele origin: germline.